The following is an entry in ClinVar:

NM_018136.5(ASPM):c.3772G>A (p.Ala1258Thr)

Gene: ASPM (assembly factor for spindle microtubules; minus strand). Cytogenetic location: 1q31.3.
Variant type: single nucleotide variant.
Coding change: c.3772G>A on transcript NM_018136.5 (MANE Select); coding-DNA position 3772, G replaced by A.
Protein change: p.Ala1258Thr; replaces alanine 1258 with threonine.
Molecular consequence: missense variant.
Genome position (GRCh38, 1-based): chr1:197,122,013, C>T on the plus strand (G>A on the coding strand, the complement: ASPM is on the minus strand). VCF-style: chr1-197122013-C-T. GRCh37 (hg19) VCF-style: chr1-197091143-C-T.
Other names: c.3772G>A, p.Ala1258Thr (NM_001206846.2); short protein forms A1258T.
Identifiers: ClinVar variation 388993 (VCV000388993.14), dbSNP rs142214506, ClinGen allele CA1310080.
Genomic context (GRCh38, chr1:197,122,013, plus strand): 5'-TCCATGTTGTTTGTATGAGTCGAGCAGCTCTTATTTCTTTACGAAGATCCAAAAGCCTTG[C>T]ACAAAGAAATGACAAATAGGTAATAACCACCTAAAAAAAACCCACAAAAGATAAAAACAG-3'
Protein context (NP_060606.3, residues 1248-1268): VVITYLSFLC[Ala1258Thr]RLLDLRKEIR

ClinVar aggregate classification (germline): Conflicting classifications of pathogenicity. Review status: criteria provided, conflicting classifications (1 of 4 stars). 5 submissions from 5 submitters: Uncertain significance (4); Likely benign (1). Last evaluated 2026-06-10.

Conditions:
Inborn genetic diseases. Identifiers: MedGen C0950123, MeSH D030342.

Allele frequency attached by ClinVar (database versions not stated): gnomAD 0.00031 and 0.00028; gnomAD exomes 0.00003 and 0.00007; TOPMed 0.00039; ESP Exome Variant Server 0.00031; ExAC 0.00007.
gnomAD v4.1: 89 of 1,612,068 alleles (0.0055%); highest among the groups gnomAD compares: African/African-American, 0.11%; no homozygotes.

Submissions (5):

Ambry Genetics
Classification: Uncertain significance for Inborn genetic diseases. Last evaluated: 2026-06-10. Review status: criteria provided, single submitter. Criteria: Ambry Variant Classification Scheme 2023. Collection method: clinical testing. Allele origin: germline.
Comment: The c.3772G>A (p.A1258T) alteration is located in exon 16 (coding exon 16) of the ASPM gene. This alteration results from a G to A substitution at nucleotide position 3772, causing the alanine (A) at amino acid position 1258 to be replaced by a threonine (T). Based on data from gnomAD, the A allele has an overall frequency of 0.009% (25/281076) total alleles studied. The highest observed frequency was 0.101% (25/24768) of African alleles. Based on insufficient or conflicting evidence, the clinical significance of this alteration remains unclear.

Labcorp Genetics (formerly Invitae), Labcorp
Classification: Uncertain significance. Last evaluated: 2025-12-02. Review status: criteria provided, single submitter. Criteria: Invitae Variant Classification Sherloc (09022015). Collection method: clinical testing. Allele origin: germline.
Comment: This sequence change replaces alanine, which is neutral and non-polar, with threonine, which is neutral and polar, at codon 1258 of the ASPM protein (p.Ala1258Thr). This variant is present in population databases (rs142214506, gnomAD 0.09%). This variant has not been reported in the literature in individuals affected with ASPM-related conditions. ClinVar contains an entry for this variant (Variation ID: 388993). Invitae Evidence Modeling of protein sequence and biophysical properties (such as structural, functional, and spatial information, amino acid conservation, physicochemical variation, residue mobility, and thermodynamic stability) indicates that this missense variant is not expected to disrupt ASPM protein function with a negative predictive value of 80%. In summary, the available evidence is currently insufficient to determine the role of this variant in disease. Therefore, it has been classified as a Variant of Uncertain Significance.

GeneDx
Classification: Likely benign. Last evaluated: 2019-11-11. Review status: criteria provided, single submitter. Criteria: GeneDx Variant Classification Process June 2021. Collection method: clinical testing. Allele origin: germline. Affected: yes.

Athena Diagnostics
Classification: Uncertain significance. Last evaluated: 2019-03-01. Review status: criteria provided, single submitter. Criteria: Athena Diagnostics Criteria. Collection method: clinical testing. Allele origin: germline.

Genetic Services Laboratory, University of Chicago
Classification: Uncertain significance. Last evaluated: 2017-06-22. Review status: criteria provided, single submitter. Criteria: ACMG Guidelines, 2015. Collection method: clinical testing. Allele origin: germline. Affected: no.